The following is an entry in ClinVar:

NM_014946.4(SPAST):c.1536+17G>T

Gene: SPAST (spastin; plus strand). Cytogenetic location: 2p22.3.
Variant type: single nucleotide variant.
Coding change: c.1536+17G>T on transcript NM_014946.4 (MANE Select); 17 bases into the intron after coding-DNA position 1536, G replaced by T.
Molecular consequence: intron variant.
Genome position (GRCh38, 1-based): chr2:32,141,963, G>T. VCF-style: chr2-32141963-G-T. GRCh37 (hg19) VCF-style: chr2-32367032-G-T.
Other names: c.1440+17G>T (NM_199436.2, NM_001377959.1); c.1533+17G>T (NM_001363823.2); c.1437+17G>T (NM_001363875.2).
Identifiers: ClinVar variation 381885 (VCV000381885.8), dbSNP rs201026422, ClinGen allele CA1600929.
Genomic context (GRCh38, chr2:32,141,963, plus strand): 5'-GGCGTTTCATCAAACGGGTATATGTGTCTTTACCAAATGAGGAGGTATGTATCTGTGTTT[G>T]AATTTTTTTTGTTTTAGAGCAGAAACAAGAACTACCATCTTGACAATATTAAGTCTTCCA-3'

ClinVar aggregate classification (germline): Likely benign. Review status: criteria provided, multiple submitters, no conflicts (2 of 4 stars). 2 submissions from 2 submitters: Likely benign (2). Last evaluated 2025-07-13.

Conditions:
Hereditary spastic paraplegia 4. Also called: Spastic paraplegia 4, autosomal dominant; Spastic Paraplegia 4; Familial spastic paraplegia autosomal dominant 2. Identifiers: Orphanet 100985, MedGen C1866855, MONDO:0008438, OMIM 182601.

Allele frequency attached by ClinVar (database versions not stated): gnomAD 0.00017 and 0.00018; TOPMed 0.00018; ESP Exome Variant Server 0.00038.
gnomAD v4.1: 577 of 1,607,564 alleles (0.036%); highest among the groups gnomAD compares: Non-Finnish European, 0.046%; 2 homozygotes.

Submissions (2):

Labcorp Genetics (formerly Invitae), Labcorp
Classification: Likely benign for Hereditary spastic paraplegia 4. Last evaluated: 2025-07-13. Review status: criteria provided, single submitter. Criteria: Invitae Variant Classification Sherloc (09022015). Collection method: clinical testing. Allele origin: germline.

GeneDx
Classification: Likely benign. Last evaluated: 2016-10-19. Review status: criteria provided, single submitter. Criteria: GeneDx Variant Classification (06012015). Collection method: clinical testing. Allele origin: germline. Affected: yes.
Comment: This variant is considered likely benign or benign based on one or more of the following criteria: it is a conservative change, it occurs at a poorly conserved position in the protein, it is predicted to be benign by multiple in silico algorithms, and/or has population frequency not consistent with disease.